The following is an entry in ClinVar:

ClinVar aggregate classification (germline): Likely benign (0 of 4 stars; one submission).

Conditions:
PTPRO-related disorder. Also called: PTPRO-related condition.

Allele frequency attached by ClinVar (database versions not stated): ExAC 0.00001; gnomAD 0.00001; gnomAD exomes 0.00001; TOPMed 0.00001.
gnomAD v4.1: 11 of 1,613,508 alleles (0.00068%); highest among the groups gnomAD compares: Admixed American, 0.0017%; no homozygotes.

Submission:

PreventionGenetics, part of Exact Sciences
Classification: Likely benign for PTPRO-related condition. Last evaluated: 2019-07-23. Review status: no assertion criteria provided. Collection method: clinical testing. Allele origin: germline.
Comment: This variant is classified as likely benign based on ACMG/AMP sequence variant interpretation guidelines (Richards et al. 2015 PMID: 25741868, with internal and published modifications).

NM_030667.3(PTPRO):c.3255+7C>T

Gene: PTPRO (protein tyrosine phosphatase receptor type O; plus strand). Cytogenetic location: 12p12.3.
Variant type: single nucleotide variant.
Coding change: c.3255+7C>T on transcript NM_030667.3 (MANE Select); 7 bases into the intron after coding-DNA position 3255, C replaced by T.
Molecular consequence: intron variant.
Genome position (GRCh38, 1-based): chr12:15,581,808, C>T. VCF-style: chr12-15581808-C-T. GRCh37 (hg19) VCF-style: chr12-15734742-C-T.
Other names: c.3171+7C>T (NM_002848.4); c.822+7C>T (NM_030671.3, NM_030669.3); c.738+7C>T (NM_030670.3, NM_030668.3).
Identifiers: ClinVar variation 3050500 (VCV003050500.2), dbSNP rs770933565, ClinGen allele CA6467126.